The following is an entry in ClinVar:

ClinVar aggregate classification (germline): Likely benign (1 of 4 stars; one submission).

Submission:

CeGaT Center for Human Genetics Tuebingen
Classification: Likely benign. Last evaluated: 2023-03-01. Review status: criteria provided, single submitter. Criteria: CeGaT Center For Human Genetics Tuebingen Variant Classification Criteria Version 2. Collection method: clinical testing. Allele origin: germline. Affected: yes. Observed: 1 variant allele.
Comment: AMN1: PM2:Supporting, BP4, BP7

NM_001113402.2(AMN1):c.336A>C (p.Ser112=)

Gene: AMN1 (antagonist of mitotic exit network 1 homolog; minus strand). Cytogenetic location: 12p11.21.
Variant type: single nucleotide variant.
Coding change: c.336A>C on transcript NM_001113402.2 (MANE Select); coding-DNA position 336, A replaced by C.
Protein change: p.Ser112=; no amino-acid change (serine 112 retained).
Molecular consequence: synonymous variant. On other transcripts: non-coding transcript variant (2).
Genome position (GRCh38, 1-based): chr12:31,697,938, T>G on the plus strand (A>C on the coding strand, the complement: AMN1 is on the minus strand). VCF-style: chr12-31697938-T-G. GRCh37 (hg19) VCF-style: chr12-31850872-T-G.
Other names: c.282A>C, p.Ser94= (NM_001278411.2, NM_001278412.2); c.201A>C, p.Ser67= (NM_207337.1).
Identifiers: ClinVar variation 2642831 (VCV002642831.24), dbSNP rs2497864814, ClinGen allele CA479152175.